The following is an entry in ClinVar:

NM_016077.5(PTRH2):c.100C>T (p.Arg34Ter)

Gene: PTRH2 (peptidyl-tRNA hydrolase 2; minus strand). Cytogenetic location: 17q23.1.
Variant type: single nucleotide variant.
Coding change: c.100C>T on transcript NM_016077.5 (MANE Select); coding-DNA position 100, C replaced by T.
Protein change: p.Arg34Ter; replaces arginine 34 with a stop codon.
Molecular consequence: nonsense.
Genome position (GRCh38, 1-based): chr17:59,697,879, G>A on the plus strand (C>T on the coding strand, the complement: PTRH2 is on the minus strand). VCF-style: chr17-59697879-G-A. GRCh37 (hg19) VCF-style: chr17-57775240-G-A.
Other names: c.103C>T, p.Arg35Ter (NM_001015509.3); short protein forms R34*, R35*.
Identifiers: ClinVar variation 4814177 (VCV004814177.3).

ClinVar aggregate classification (germline): Pathogenic/Likely pathogenic. Review status: criteria provided, multiple submitters, no conflicts (2 of 4 stars). 3 submissions from 3 submitters: Pathogenic (1); Likely pathogenic (2). Last evaluated 2026-10-16.

Conditions:
Inborn errors of metabolism. Also called: Inborn error of metabolism. Identifiers: Orphanet 68367, MedGen C0025521, MONDO:0019052.
Neurologic, endocrine, and pancreatic disease, multisystem, infantile-onset 1 (IMNEPD1). Identifiers: Orphanet 456312, MedGen C4015728, MONDO:8000012, OMIM 616263.

gnomAD v4.1: 16 of 1,614,080 alleles (0.00099%); highest among the groups gnomAD compares: African/African-American, 0.0013%; no homozygotes.

Submissions (3):

Gene Mapping Laboratory, Hacettepe University
Classification: Pathogenic for Neurologic, endocrine, and pancreatic disease, multisystem, infantile-onset 1. Last evaluated: 2026-10-16. Review status: criteria provided, single submitter. Criteria: ACMG Guidelines, 2015. Collection method: clinical testing. Allele origin: germline. Inheritance: Autosomal recessive inheritance. Affected: yes. Observed: 1 variant allele, 1 homozygote.
Comment: This variant is a nonsense variant that is predicted to terminate the resulting protein prematurely (PVS1). It is not observed in homozygosity in gnomAD (PM2) and is associated with IMNEPD previously in ClinVar (PP5). The phenotypic presentation of the affected individual is fully in agreement with IMNEPD (PP4).

North West Genomic Laboratory Hub, Manchester University NHS Foundation Trust
Classification: Likely pathogenic for Inborn error of metabolism. Last evaluated: 2026-09-24. Review status: criteria provided, single submitter. Criteria: ACGS Best Practice Guidelines for Variant Classification in Rare Disease 2024. Collection method: clinical testing. Allele origin: germline. Affected: yes.
Comment: PVS1_Str PM2_Mod PM3_Mod

Kasturba Medical College, Manipal, Kasturba Medical College, Manipal, Manipal Academy of Higher Education, Manipal, India
Classification: Likely pathogenic for Neurologic, endocrine, and pancreatic disease, multisystem, infantile-onset 1. Last evaluated: 2025-03-16. Review status: criteria provided, single submitter. Criteria: ACMG Guidelines, 2015. Collection method: research. Allele origin: unknown. Inheritance: Autosomal recessive inheritance. Affected: yes. Observed: 1 variant allele, 1 homozygote.
Comment: The variant is absent from individuals in a homozygous state and present in 16 individuals in a heterozygous state in the population database, gnomAD v4.1.0. The variant is absent in homozygous state/heterozygous state in our in-house database of 3,904 exomes. This stop-gain variant likely results in the formation of a truncated protein product, which may lead the transcript to undergo nonsense-mediated mRNA decay. The clinical presentation of PTRH2-related infantile-onset multisystem neurologic, endocrine, and pancreatic disease (IMNEPD) disorder is mainly neurodevelopmental and endocrine abnormalities are observed in less than one-third of the individuals (Sharkia et al., 2023). The clinical features observed in the proband overlap with this disorder and thus, the above-mentioned variant in the homozygous state is likely the cause of the condition observed in the proband.

Literature cited by the submitters: PMC PMC10217894 (cited by Kasturba Medical College, Manipal, Kasturba Medical College, Manipal, Manipal Academy of Higher Education, Manipal, India).